The following is an entry in ClinVar:

NM_016205.3(PDGFC):c.184A>G (p.Arg62Gly)

Gene: PDGFC (platelet derived growth factor C; minus strand). Cytogenetic location: 4q32.1.
Variant type: single nucleotide variant.
Coding change: c.184A>G on transcript NM_016205.3 (MANE Select); coding-DNA position 184, A replaced by G.
Protein change: p.Arg62Gly; replaces arginine 62 with glycine.
Molecular consequence: missense variant. On other transcripts: non-coding transcript variant (1).
Genome position (GRCh38, 1-based): chr4:156,850,351, T>C on the plus strand (A>G on the coding strand, the complement: PDGFC is on the minus strand). VCF-style: chr4-156850351-T-C. GRCh37 (hg19) VCF-style: chr4-157771503-T-C.
Other names: short protein forms R62G.
Identifiers: ClinVar variation 4977336 (VCV004977336.1).

ClinVar aggregate classification (germline): Uncertain significance (1 of 4 stars; one submission).

Conditions:
PDGFC-related disorder. Also called: PDGFC-related condition.

gnomAD v4.1: 1 of 1,609,490 alleles (0.000062%); highest among the groups gnomAD compares: Non-Finnish European, 0.000085%; no homozygotes.

Submission:

PreventionGenetics, part of Exact Sciences
Classification: Uncertain significance for PDGFC-related condition. Last evaluated: 2025-09-24. Review status: criteria provided, single submitter. Criteria: ACMG Guidelines, 2015. Collection method: clinical testing. Allele origin: germline.
Comment: The PDGFC c.184A>G variant is predicted to result in the amino acid substitution p.Arg62Gly. To our knowledge, this variant has not been reported in the literature or in a large population database (gnomAD), indicating this variant is rare. At this time, the clinical significance of this variant is uncertain due to the absence of conclusive functional and genetic evidence.